The following is an entry in ClinVar:

NM_017950.4(CCDC40):c.355C>A (p.Pro119Thr)

Gene: CCDC40 (coiled-coil domain 40 molecular ruler complex subunit; plus strand). Cytogenetic location: 17q25.3.
Variant type: single nucleotide variant.
Coding change: c.355C>A on transcript NM_017950.4 (MANE Select); coding-DNA position 355, C replaced by A.
Protein change: p.Pro119Thr; replaces proline 119 with threonine.
Molecular consequence: missense variant.
Genome position (GRCh38, 1-based): chr17:80,040,073, C>A. VCF-style: chr17-80040073-C-A. GRCh37 (hg19) VCF-style: chr17-78013872-C-A.
Other names: c.355C>A, p.Pro119Thr (NM_001243342.2, NM_001330508.2); short protein forms P119T.
Identifiers: ClinVar variation 407768 (VCV000407768.14), dbSNP rs750628862, ClinGen allele CA8813424.

ClinVar aggregate classification (germline): Uncertain significance (1 of 4 stars; one submission).

Conditions:
Primary ciliary dyskinesia. Also called: Ciliary dyskinesia. Identifiers: Orphanet 244, MedGen C0008780, MONDO:0016575, HP:0012265.

Allele frequency attached by ClinVar (database versions not stated): gnomAD exomes below 0.00001; ExAC 0.00001.
gnomAD v4.1: 1 of 1,614,114 alleles (0.000062%); highest among the groups gnomAD compares: Admixed American, 0.0017%; no homozygotes.

Submission:

Labcorp Genetics (formerly Invitae), Labcorp
Classification: Uncertain significance for Primary ciliary dyskinesia. Last evaluated: 2021-09-01. Review status: criteria provided, single submitter. Criteria: Invitae Variant Classification Sherloc (09022015). Collection method: clinical testing. Allele origin: germline.
Comment: This sequence change replaces proline with threonine at codon 119 of the CCDC40 protein (p.Pro119Thr). The proline residue is weakly conserved and there is a small physicochemical difference between proline and threonine. This variant is present in population databases (rs750628862, ExAC 0.009%). This variant has not been reported in the literature in individuals affected with CCDC40-related conditions. Algorithms developed to predict the effect of missense changes on protein structure and function (SIFT, PolyPhen-2, Align-GVGD) all suggest that this variant is likely to be tolerated. In summary, the available evidence is currently insufficient to determine the role of this variant in disease. Therefore, it has been classified as a Variant of Uncertain Significance.